The following is an entry in ClinVar:

ClinVar aggregate classification (germline): Uncertain significance (1 of 4 stars; one submission).

Allele frequency attached by ClinVar (database versions not stated): TOPMed below 0.00001; ExAC 0.00001; gnomAD 0.00001.
gnomAD v4.1: 2 of 1,609,278 alleles (0.00012%); highest among the groups gnomAD compares: East Asian, 0.0045%; no homozygotes.

Submission:

Labcorp Genetics (formerly Invitae), Labcorp
Classification: Uncertain significance. Last evaluated: 2025-09-02. Review status: criteria provided, single submitter. Criteria: Invitae Variant Classification Sherloc (09022015). Collection method: clinical testing. Allele origin: germline.
Comment: This sequence change affects codon 675 of the SLCO5A1 mRNA. It is a 'silent' change, meaning that it does not change the encoded amino acid sequence of the SLCO5A1 protein. It affects a nucleotide within the consensus splice site. This variant is present in population databases (rs777521918, gnomAD 0.006%). This variant has not been reported in the literature in individuals affected with SLCO5A1-related conditions. ClinVar contains an entry for this variant (Variation ID: 3009058). Algorithms developed to predict the effect of sequence changes on RNA splicing suggest that this variant is not likely to affect RNA splicing. In summary, the available evidence is currently insufficient to determine the role of this variant in disease. Therefore, it has been classified as a Variant of Uncertain Significance.

NM_030958.3(SLCO5A1):c.2025G>A (p.Arg675=)

Gene: SLCO5A1 (solute carrier organic anion transporter family member 5A1; minus strand). Cytogenetic location: 8q13.3.
Variant type: single nucleotide variant.
Coding change: c.2025G>A on transcript NM_030958.3 (MANE Select); coding-DNA position 2025, G replaced by A.
Protein change: p.Arg675=; no amino-acid change (arginine 675 retained).
Molecular consequence: synonymous variant. On other transcripts: intron variant (1).
Genome position (GRCh38, 1-based): chr8:69,676,673, C>T on the plus strand (G>A on the coding strand, the complement: SLCO5A1 is on the minus strand). VCF-style: chr8-69676673-C-T. GRCh37 (hg19) VCF-style: chr8-70588908-C-T.
Other names: c.1860G>A, p.Arg620= (NM_001146009.1); c.2024+2705G>A (NM_001146008.2).
Identifiers: ClinVar variation 3009058 (VCV003009058.3), dbSNP rs777521918, ClinGen allele CA4776442.